The following is an entry in ClinVar:

NM_001023.4(RPS20):c.131A>G (p.Lys44Arg)

Gene: RPS20 (ribosomal protein S20; minus strand). Cytogenetic location: 8q12.1.
Variant type: single nucleotide variant.
Coding change: c.131A>G on transcript NM_001023.4 (MANE Select); coding-DNA position 131, A replaced by G.
Protein change: p.Lys44Arg; replaces lysine 44 with arginine.
Molecular consequence: missense variant.
Genome position (GRCh38, 1-based): chr8:56,073,741, T>C on the plus strand (A>G on the coding strand, the complement: RPS20 is on the minus strand). VCF-style: chr8-56073741-T-C. GRCh37 (hg19) VCF-style: chr8-56986300-T-C.
Other names: c.131A>G, p.Lys44Arg (NM_001146227.3); short protein forms K44R.
Identifiers: ClinVar variation 1510960 (VCV001510960.10), dbSNP rs2129213274, ClinGen allele CA371283582.

ClinVar aggregate classification (germline): Uncertain significance. Review status: criteria provided, multiple submitters, no conflicts (2 of 4 stars). 2 submissions from 2 submitters: Uncertain significance (2). Last evaluated 2022-03-24.

Submissions (2):

Ambry Genetics
Classification: Uncertain significance. Last evaluated: 2022-03-24. Review status: criteria provided, single submitter. Criteria: Ambry Variant Classification Scheme 2023. Collection method: clinical testing. Allele origin: germline.
Comment: The p.K44R variant (also known as c.131A>G), located in coding exon 3 of the RPS20 gene, results from an A to G substitution at nucleotide position 131. The lysine at codon 44 is replaced by arginine, an amino acid with highly similar properties. This amino acid position is conserved. In addition, the in silico prediction for this alteration is inconclusive. Since supporting evidence is limited at this time, the clinical significance of this alteration remains unclear.

Labcorp Genetics (formerly Invitae), Labcorp
Classification: Uncertain significance. Last evaluated: 2021-02-22. Review status: criteria provided, single submitter. Criteria: Invitae Variant Classification Sherloc (09022015). Collection method: clinical testing. Allele origin: germline.
Comment: This sequence change replaces lysine with arginine at codon 44 of the RPS20 protein (p.Lys44Arg). The lysine residue is highly conserved and there is a small physicochemical difference between lysine and arginine. This variant is not present in population databases (ExAC no frequency). This variant has not been reported in the literature in individuals with RPS20-related conditions. Algorithms developed to predict the effect of missense changes on protein structure and function (SIFT, PolyPhen-2, Align-GVGD) all suggest that this variant is likely to be tolerated, but these predictions have not been confirmed by published functional studies and their clinical significance is uncertain. In summary, the available evidence is currently insufficient to determine the role of this variant in disease. Therefore, it has been classified as a Variant of Uncertain Significance.